The following is an entry in ClinVar:

NM_001005498.4(RHBDF2):c.1375C>G (p.Leu459Val)

Gene: RHBDF2 (rhomboid 5 homolog 2; minus strand). Cytogenetic location: 17q25.1.
Variant type: single nucleotide variant.
Coding change: c.1375C>G on transcript NM_001005498.4 (MANE Select); coding-DNA position 1375, C replaced by G.
Protein change: p.Leu459Val; replaces leucine 459 with valine.
Molecular consequence: missense variant. On other transcripts: non-coding transcript variant (3).
Genome position (GRCh38, 1-based): chr17:76,474,462, G>C on the plus strand (C>G on the coding strand, the complement: RHBDF2 is on the minus strand). VCF-style: chr17-76474462-G-C. GRCh37 (hg19) VCF-style: chr17-74470544-G-C.
Other names: c.1375C>G, p.Leu459Val (NM_001376229.1, NM_001376230.1, NM_001376228.1); c.1462C>G, p.Leu488Val (NM_024599.5); short protein forms L488V, L459V.
Identifiers: ClinVar variation 890959 (VCV000890959.7), dbSNP rs147599098, ClinGen allele CA8787015.

ClinVar aggregate classification (germline): Conflicting classifications of pathogenicity. Review status: criteria provided, conflicting classifications (1 of 4 stars). 3 submissions from 3 submitters: Uncertain significance (2); Benign (1). Last evaluated 2023-07-29.

Conditions:
Inborn genetic diseases. Identifiers: MedGen C0950123, MeSH D030342.
Palmoplantar keratoderma-esophageal carcinoma syndrome (TOC). Also called: PALMOPLANTAR KERATODERMA WITH ESOPHAGEAL CANCER; Tylosis with Esophageal Cancer; KERATOSIS PALMARIS ET PLANTARIS WITH ESOPHAGEAL CANCER. Identifiers: Orphanet 2198, MedGen C1835664, MONDO:0007856, OMIM 148500.

Allele frequency attached by ClinVar (database versions not stated): TOPMed below 0.00001; gnomAD 0.00001; gnomAD exomes 0.00001 and 0.00002; ExAC 0.00002; ESP Exome Variant Server 0.00008.
gnomAD v4.1: 13 of 1,614,036 alleles (0.00081%); highest among the groups gnomAD compares: Non-Finnish European, 0.001%; no homozygotes.

Submissions (3):

Baylor Genetics
Classification: Uncertain significance for Palmoplantar keratoderma-esophageal carcinoma syndrome. Last evaluated: 2023-07-29. Review status: criteria provided, single submitter. Criteria: ACMG Guidelines, 2015. Collection method: clinical testing. Allele origin: unknown.

Ambry Genetics
Classification: Uncertain significance for Inborn genetic diseases. Last evaluated: 2021-08-12. Review status: criteria provided, single submitter. Criteria: Ambry Variant Classification Scheme 2023. Collection method: clinical testing. Allele origin: germline.

Illumina Laboratory Services, Illumina
Classification: Benign for Palmoplantar keratoderma-esophageal carcinoma syndrome. Last evaluated: 2018-03-26. Review status: criteria provided, single submitter. Criteria: ICSL Variant Classification Criteria 13 December 2019. Collection method: clinical testing. Allele origin: germline.
Comment: This variant was observed in the ICSL laboratory as part of a predisposition screen in an ostensibly healthy population. It had not been previously curated by ICSL or reported in the Human Gene Mutation Database (HGMD: prior to June 1st, 2018), and was therefore a candidate for classification through an automated scoring system. Utilizing variant allele frequency, disease prevalence and penetrance estimates, and inheritance mode, an automated score was calculated to assess if this variant is too frequent to cause the disease. Based on the score and internal cut-off values, a variant classified as benign is not then subjected to further curation. The score for this variant resulted in a classification of benign for this disease.